The following is an entry in ClinVar:

ClinVar aggregate classification (germline): Uncertain significance. Review status: criteria provided, single submitter (1 of 4 stars). 2 submissions from 2 submitters: Uncertain significance (1). 1 of the submissions does not count toward it. Last evaluated 2021-09-01.

Conditions:
VPS13B-related disorder. Also called: VPS13B-related condition.
Cohen syndrome (COH1). Also called: Cutis verticis gyrata, retinitis pigmentosa, and sensorineural deafness; PEPPER SYNDROME. Identifiers: Orphanet 193, MedGen C0265223, MONDO:0008999, OMIM 216550.

Allele frequency attached by ClinVar (database versions not stated): ExAC 0.00001; gnomAD 0.00001; gnomAD exomes 0.00001.
gnomAD v4.1: 25 of 1,613,858 alleles (0.0015%); highest among the groups gnomAD compares: Middle Eastern, 0.016%; no homozygotes.

Submissions (2):

Labcorp Genetics (formerly Invitae), Labcorp
Classification: Uncertain significance for Cohen syndrome. Last evaluated: 2021-09-01. Review status: criteria provided, single submitter. Criteria: Invitae Variant Classification Sherloc (09022015). Collection method: clinical testing. Allele origin: germline.

PreventionGenetics, part of Exact Sciences
Classification: Uncertain significance for VPS13B-related condition. Last evaluated: 2024-05-14. Review status: no assertion criteria provided. Collection method: clinical testing. Allele origin: germline. Not counted in ClinVar's aggregate classification.
Comment: The VPS13B c.7390G>C variant is predicted to result in the amino acid substitution p.Glu2464Gln. To our knowledge, this variant has not been reported in the literature. This variant is reported in 0.0033% of alleles in individuals of South Asian descent in gnomAD. At this time, the clinical significance of this variant is uncertain due to the absence of conclusive functional and genetic evidence.

NM_152564.5(VPS13B):c.7390G>C (p.Glu2464Gln)

Gene: VPS13B (vacuolar protein sorting 13 homolog B; plus strand). Cytogenetic location: 8q22.2.
Variant type: single nucleotide variant.
Coding change: c.7390G>C on transcript NM_152564.5 (MANE Select); coding-DNA position 7390, G replaced by C.
Protein change: p.Glu2464Gln; replaces glutamic acid 2464 with glutamine.
Molecular consequence: missense variant.
Genome position (GRCh38, 1-based): chr8:99,776,917, G>C. VCF-style: chr8-99776917-G-C. GRCh37 (hg19) VCF-style: chr8-100789145-G-C.
Other names: c.7465G>C, p.Glu2489Gln (NM_017890.5); c.7390G>C (NM_152564.4); short protein forms E2464Q, E2489Q.
Identifiers: ClinVar variation 1428326 (VCV001428326.6), dbSNP rs752014773, ClinGen allele CA4824203.